The following is an entry in ClinVar:

NM_018699.4(PRDM5):c.1690A>G (p.Lys564Glu)

Gene: PRDM5 (PR/SET domain 5; minus strand). Cytogenetic location: 4q27.
Variant type: single nucleotide variant.
Coding change: c.1690A>G on transcript NM_018699.4 (MANE Select); coding-DNA position 1690, A replaced by G.
Protein change: p.Lys564Glu; replaces lysine 564 with glutamic acid.
Molecular consequence: missense variant. On other transcripts: 3 prime UTR variant (1), intron variant (1).
Genome position (GRCh38, 1-based): chr4:120,710,347, T>C on the plus strand (A>G on the coding strand, the complement: PRDM5 is on the minus strand). VCF-style: chr4-120710347-T-C. GRCh37 (hg19) VCF-style: chr4-121631502-T-C.
Other names: c.1597A>G, p.Lys533Glu (NM_001300823.2); c.*5A>G (NM_001300824.2); c.1723A>G, p.Lys575Glu (NM_001379104.1); c.1531-15072A>G (NM_001379106.1); short protein forms K533E, K564E, K575E.
Identifiers: ClinVar variation 3309806 (VCV003309806.1).

ClinVar aggregate classification (germline): Uncertain significance (1 of 4 stars; one submission).

Conditions:
Cardiovascular phenotype. Identifiers: MedGen CN230736.

gnomAD v4.1: 1 of 1,614,086 alleles (0.000062%); highest among the groups gnomAD compares: Admixed American, 0.0017%; no homozygotes.

Submission:

Ambry Genetics
Classification: Uncertain significance for Cardiovascular phenotype. Last evaluated: 2024-04-12. Review status: criteria provided, single submitter. Criteria: Ambry Variant Classification Scheme 2023. Collection method: clinical testing. Allele origin: germline.
Comment: The p.K564E variant (also known as c.1690A>G), located in coding exon 15 of the PRDM5 gene, results from an A to G substitution at nucleotide position 1690. The lysine at codon 564 is replaced by glutamic acid, an amino acid with similar properties. This amino acid position is conserved. In addition, this alteration is predicted to be tolerated by in silico analysis. Based on the available evidence, the clinical significance of this variant remains unclear.